The following is an entry in ClinVar:

ClinVar aggregate classification (germline): Uncertain significance. Review status: criteria provided, multiple submitters, no conflicts (2 of 4 stars). 2 submissions from 2 submitters: Uncertain significance (2). Last evaluated 2025-01-10.

Conditions:
Dyskeratosis congenita, autosomal recessive 5 (DKCB5). Identifiers: MedGen C3554656, MONDO:0014076, OMIM 615190.
Pulmonary fibrosis and/or bone marrow failure, Telomere-related, 3. Also called: PULMONARY FIBROSIS AND/OR BONE MARROW FAILURE SYNDROME, TELOMERE-RELATED, 3. Identifiers: Orphanet 2032, MedGen C4225346, MONDO:0014613, OMIM 616373.
Inborn genetic diseases. Identifiers: MedGen C0950123, MeSH D030342.

Allele frequency attached by ClinVar (database versions not stated): gnomAD 0.00001; gnomAD exomes below 0.00001; ExAC 0.00001.
gnomAD v4.1: 3 of 1,612,452 alleles (0.00019%); highest among the groups gnomAD compares: Admixed American, 0.0017%; no homozygotes.

Submissions (2):

Ambry Genetics
Classification: Uncertain significance for Inborn genetic diseases. Last evaluated: 2025-01-10. Review status: criteria provided, single submitter. Criteria: Ambry Variant Classification Scheme 2023. Collection method: clinical testing. Allele origin: germline.
Comment: The p.D1066N variant (also known as c.3196G>A), located in coding exon 31 of the RTEL1 gene, results from a G to A substitution at nucleotide position 3196. The aspartic acid at codon 1066 is replaced by asparagine, an amino acid with highly similar properties. This amino acid position is conserved. In addition, this alteration is predicted to be tolerated by in silico analysis. Based on the available evidence, the clinical significance of this variant remains unclear.

Labcorp Genetics (formerly Invitae), Labcorp
Classification: Uncertain significance for Dyskeratosis congenita, autosomal recessive 5; Pulmonary fibrosis and/or bone marrow failure, Telomere-related, 3. Last evaluated: 2022-08-23. Review status: criteria provided, single submitter. Criteria: Invitae Variant Classification Sherloc (09022015). Collection method: clinical testing. Allele origin: germline.
Comment: This sequence change replaces aspartic acid, which is acidic and polar, with asparagine, which is neutral and polar, at codon 1066 of the RTEL1 protein (p.Asp1066Asn). This variant is present in population databases (rs748671796, gnomAD 0.0009%). This variant has not been reported in the literature in individuals affected with RTEL1-related conditions. ClinVar contains an entry for this variant (Variation ID: 1483346). Algorithms developed to predict the effect of missense changes on protein structure and function are either unavailable or do not agree on the potential impact of this missense change (SIFT: "Deleterious"; PolyPhen-2: "Probably Damaging"; Align-GVGD: "Class C0"). In summary, the available evidence is currently insufficient to determine the role of this variant in disease. Therefore, it has been classified as a Variant of Uncertain Significance.

NM_001283009.2(RTEL1):c.3196G>A (p.Asp1066Asn)

Genes: RTEL1 (regulator of telomere elongation helicase 1; plus strand), RTEL1-TNFRSF6B (RTEL1-TNFRSF6B readthrough (NMD candidate); plus strand). Cytogenetic location: 20q13.33.
Variant type: single nucleotide variant.
Coding change: c.3196G>A on transcript NM_001283009.2 (MANE Select); coding-DNA position 3196, G replaced by A.
Protein change: p.Asp1066Asn; replaces aspartic acid 1066 with asparagine.
Molecular consequence: missense variant. On other transcripts: non-coding transcript variant (1).
Genome position (GRCh38, 1-based): chr20:63,694,827, G>A. VCF-style: chr20-63694827-G-A. GRCh37 (hg19) VCF-style: chr20-62326180-G-A.
Other names: c.2527G>A, p.Asp843Asn (NM_001283010.1); c.3196G>A, p.Asp1066Asn (NM_016434.4); c.3268G>A, p.Asp1090Asn (NM_032957.5); short protein forms D1066N, D1090N, D843N.
Identifiers: ClinVar variation 1483346 (VCV001483346.4), dbSNP rs748671796, ClinGen allele CA9965900.